The following is an entry in ClinVar:

NM_153442.4(GPR26):c.234G>A (p.Leu78=)

Gene: GPR26 (G protein-coupled receptor 26; plus strand). Cytogenetic location: 10q26.13.
Variant type: single nucleotide variant.
Coding change: c.234G>A on transcript NM_153442.4 (MANE Select); coding-DNA position 234, G replaced by A.
Protein change: p.Leu78=; no amino-acid change (leucine 78 retained).
Molecular consequence: synonymous variant.
Genome position (GRCh38, 1-based): chr10:123,666,641, G>A. VCF-style: chr10-123666641-G-A. GRCh37 (hg19) VCF-style: chr10-125426157-G-A.
Identifiers: ClinVar variation 2640945 (VCV002640945.24), dbSNP rs752514927, ClinGen allele CA5731760.

ClinVar aggregate classification (germline): Likely benign (1 of 4 stars; one submission).

Allele frequency attached by ClinVar (database versions not stated): gnomAD 0.00013; TOPMed 0.00015; 1000 Genomes Project 30x 0.00031; ExAC 0.00037.
gnomAD v4.1: 322 of 1,595,018 alleles (0.02%); highest among the groups gnomAD compares: Middle Eastern, 1.1%; 3 homozygotes.

Submission:

CeGaT Center for Human Genetics Tuebingen
Classification: Likely benign. Last evaluated: 2023-03-01. Review status: criteria provided, single submitter. Criteria: CeGaT Center For Human Genetics Tuebingen Variant Classification Criteria Version 2. Collection method: clinical testing. Allele origin: germline. Affected: yes. Observed: 1 variant allele.
Comment: GPR26: BP4, BP7